The following is an entry in ClinVar:

ClinVar aggregate classification (germline): Likely pathogenic (1 of 4 stars; one submission).

Conditions:
Intellectual developmental disorder, autosomal dominant 1. Also called: MBD5 Haploinsufficiency; Intellectual disability, autosomal dominant 1. Identifiers: Orphanet 228402, MedGen C1969562, MONDO:0007974, OMIM 156200.

Submission:

3billion
Classification: Likely pathogenic for Intellectual developmental disorder, autosomal dominant 1. Last evaluated: 2025-05-28. Review status: criteria provided, single submitter. Criteria: ACMG Guidelines, 2015. Collection method: clinical testing. Allele origin: germline. Affected: yes.
Comment: The variant is not observed in the gnomAD v4.1.0 dataset. Predicted Consequence/Location: Frameshift: predicted to result in a loss or disruption of normal protein function through nonsense-mediated decay (NMD) or protein truncation. Multiple pathogenic variants are reported downstream of the variant. Therefore, this variant is classified as Likely pathogenic according to the recommendation of ACMG/AMP guideline.

NM_001378120.1(MBD5):c.794del (p.Pro265fs)

Gene: MBD5 (methyl-CpG binding domain protein 5; plus strand). Cytogenetic location: 2q23.1.
Variant type: Deletion.
Coding change: c.794del on transcript NM_001378120.1 (MANE Select); coding-DNA position 794, one base deleted (C; older notation c.794delC).
Protein change: p.Pro265fs; shifts the reading frame from proline 265.
Molecular consequence: frameshift variant.
Genome position (GRCh38, 1-based): chr2:148,468,737, C deleted; the last of 2 consecutive C bases (chr2:148,468,736-148,468,737); deleting either gives the same sequence. VCF-style (leftmost placement, unchanged base first): chr2-148468735-TC-T. GRCh37 (hg19) VCF-style: chr2-149226304-TC-T.
Other names: c.794del, p.Pro265fs (NM_001438854.1, NM_001438855.1, NM_001438856.1 and 7 more transcripts); short protein forms P265fs.
Identifiers: ClinVar variation 4855217 (VCV004855217.1).